The following is an entry in ClinVar:

ClinVar aggregate classification (germline): Uncertain significance. Review status: criteria provided, multiple submitters, no conflicts (2 of 4 stars). 4 submissions from 3 submitters: Uncertain significance (4). Last evaluated 2025-11-17.

Conditions:
Hereditary cancer-predisposing syndrome. Also called: Hereditary Cancer Syndrome; Neoplastic Syndromes, Hereditary; Tumor predisposition; Hereditary neoplastic syndrome. Identifiers: Orphanet 140162, MedGen C0027672, MeSH D009386, MONDO:0015356.
Cardiovascular phenotype. Identifiers: MedGen CN230736.
Neurofibromatosis, type 1 (NF1). Also called: NEUROFIBROMATOSIS, TYPE I, SOMATIC; VON RECKLINGHAUSEN DISEASE; Peripheral type neurofibromatosis; Neurofibromatosis, type I. Identifiers: Orphanet 636, MedGen C0027831, MONDO:0018975, OMIM 162200. Disease mechanism: loss of function.

Allele frequency attached by ClinVar (database versions not stated): TOPMed below 0.00001; gnomAD 0.00001.
gnomAD v4.1: 1 of 1,602,606 alleles (0.000062%); highest among the groups gnomAD compares: African/African-American, 0.0013%; no homozygotes.

Submissions (4):

Labcorp Genetics (formerly Invitae), Labcorp
Classification: Uncertain significance for Neurofibromatosis, type 1. Last evaluated: 2025-11-17. Review status: criteria provided, single submitter. Criteria: Invitae Variant Classification Sherloc (09022015). Collection method: clinical testing. Allele origin: germline.
Comment: This sequence change replaces glutamic acid, which is acidic and polar, with aspartic acid, which is acidic and polar, at codon 470 of the NF1 protein (p.Glu470Asp). This variant is not present in population databases (gnomAD no frequency). This variant has not been reported in the literature in individuals affected with NF1-related conditions. ClinVar contains an entry for this variant (Variation ID: 186619). Invitae Evidence Modeling of protein sequence and biophysical properties (such as structural, functional, and spatial information, amino acid conservation, physicochemical variation, residue mobility, and thermodynamic stability) indicates that this missense variant is not expected to disrupt NF1 protein function with a negative predictive value of 95%. In summary, the available evidence is currently insufficient to determine the role of this variant in disease. Therefore, it has been classified as a Variant of Uncertain Significance.

Genome-Nilou Lab
Classification: Uncertain significance for Neurofibromatosis, type 1. Last evaluated: 2022-03-15. Review status: criteria provided, single submitter. Criteria: ACMG Guidelines, 2015. Collection method: clinical testing. Allele origin: germline. Affected: no.

Ambry Genetics
Classification: Uncertain significance for Cardiovascular phenotype; Hereditary cancer-predisposing syndrome. Last evaluated: 2021-07-16. Review status: criteria provided, single submitter. Criteria: Ambry Variant Classification Scheme 2023. Collection method: clinical testing. Allele origin: germline.

Ambry Genetics
Classification: Uncertain significance for Hereditary cancer-predisposing syndrome. Last evaluated: 2016-02-17. Review status: criteria provided, single submitter. Criteria: Ambry Autosomal Dominant and X-Linked criteria (10/2015). Collection method: clinical testing. Allele origin: germline. Observed: 1 variant allele.
Comment: The p.E470D variant (also known as c.1410A>C), located in coding exon 13 of the NF1 gene, results from an A to C substitution at nucleotide position 1410. The glutamic acid at codon 470 is replaced by aspartic acid, an amino acid with highly similar properties. This variant was not reported in population based cohorts in the following databases: Database of Single Nucleotide Polymorphisms (dbSNP), NHLBI Exome Sequencing Project (ESP), and 1000 Genomes Project. In the ESP, this variant was not observed in 6457 samples (12914 alleles) with coverage at this position.<span style="background-color:initial">To date, this alteration has been detected with an allele frequency of approximately 0.002% (greater than 110000 alleles tested) in our clinical cohort.<span style="background-color:initial">This amino acid position is well conserved in available vertebrate species. In addition, this alteration is predicted to be tolerated by in silico analysis.<span style="background-color:initial">Since supporting evidence is limited at this time, the clinical significance of p.E470D remains unclear.

NM_001042492.3(NF1):c.1410A>C (p.Glu470Asp)

Gene: NF1 (neurofibromin 1; plus strand). Cytogenetic location: 17q11.2.
Variant type: single nucleotide variant.
Coding change: c.1410A>C on transcript NM_001042492.3 (MANE Select); coding-DNA position 1410, A replaced by C.
Protein change: p.Glu470Asp; replaces glutamic acid 470 with aspartic acid.
Molecular consequence: missense variant.
Genome position (GRCh38, 1-based): chr17:31,214,468, A>C. VCF-style: chr17-31214468-A-C. GRCh37 (hg19) VCF-style: chr17-29541486-A-C.
Other names: c.1410A>C, p.Glu470Asp (NM_000267.4, NM_001128147.3); short protein forms E470D.
Identifiers: ClinVar variation 186619 (VCV000186619.11), dbSNP rs786203090, ClinGen allele CA195351.